The following is an entry in ClinVar:

ClinVar aggregate classification (germline): Uncertain significance. Review status: criteria provided, multiple submitters, no conflicts (2 of 4 stars). 2 submissions from 2 submitters: Uncertain significance (2). Last evaluated 2026-01-15.

Conditions:
Inborn genetic diseases. Identifiers: MedGen C0950123, MeSH D030342.

Submissions (2):

Ambry Genetics
Classification: Uncertain significance for Inborn genetic diseases. Last evaluated: 2026-01-15. Review status: criteria provided, single submitter. Criteria: Ambry Variant Classification Scheme 2023. Collection method: clinical testing. Allele origin: germline.
Comment: The p.T205I variant (also known as c.614C>T), located in coding exon 7 of the DDX41 gene, results from a C to T substitution at nucleotide position 614. The threonine at codon 205 is replaced by isoleucine, an amino acid with similar properties. This amino acid position is highly conserved in available vertebrate species. In addition, this alteration is predicted to be deleterious by in silico analysis. Based on the available evidence, the clinical significance of this variant remains unclear.

Blueprint Genetics
Classification: Uncertain significance. Last evaluated: 2024-01-15. Review status: criteria provided, single submitter. Criteria: ACMG Guidelines, 2015. Collection method: clinical testing. Allele origin: germline.

NM_016222.4(DDX41):c.614C>T (p.Thr205Ile)

Gene: DDX41 (DEAD-box helicase 41; minus strand). Cytogenetic location: 5q35.3.
Variant type: single nucleotide variant.
Coding change: c.614C>T on transcript NM_016222.4 (MANE Select); coding-DNA position 614, C replaced by T.
Protein change: p.Thr205Ile; replaces threonine 205 with isoleucine.
Molecular consequence: missense variant.
Genome position (GRCh38, 1-based): chr5:177,515,216, G>A on the plus strand (C>T on the coding strand, the complement: DDX41 is on the minus strand). VCF-style: chr5-177515216-G-A. GRCh37 (hg19) VCF-style: chr5-176942217-G-A.
Other names: c.236C>T, p.Thr79Ile (NM_001321732.2, NM_001321830.2); short protein forms T205I, T79I.
Identifiers: ClinVar variation 4844583 (VCV004844583.2).
Genomic context (GRCh38, chr5:177,515,216, plus strand): 5'-AAGGACCCCAGGTCCACAGTCCACACTCACATGGTGGGGATGCCCTGGATCTGAATGGGT[G>A]TTGGGTGGTGAATGCCTTTCTTCTTCAGGCCTCTCAGGATGGCTATGAAAACCAACCGAC-3'
Protein context (NP_057306.2, residues 195-215): GLKKKGIHHP[Thr205Ile]PIQIQGIPTI